The following is an entry in ClinVar:

NM_001100913.3(PACS2):c.749A>G (p.Asn250Ser)

Gene: PACS2 (phosphofurin acidic cluster sorting protein 2; plus strand). Cytogenetic location: 14q32.33.
Variant type: single nucleotide variant.
Coding change: c.749A>G on transcript NM_001100913.3 (MANE Select); coding-DNA position 749, A replaced by G.
Protein change: p.Asn250Ser; replaces asparagine 250 with serine.
Molecular consequence: missense variant.
Genome position (GRCh38, 1-based): chr14:105,369,848, A>G. VCF-style: chr14-105369848-A-G. GRCh37 (hg19) VCF-style: chr14-105836185-A-G.
Other names: c.524A>G, p.Asn175Ser (NM_001243127.3); c.749A>G, p.Asn250Ser (NM_015197.4); short protein forms N175S, N250S.
Identifiers: ClinVar variation 2761459 (VCV002761459.3), dbSNP rs1555408909, ClinGen allele CA391176129.
Genomic context (GRCh38, chr14:105,369,848, plus strand): 5'-GGCGGGTCTGCAGCTCTGGCGGCGGCTCTGACTCTGCACCGCCTGTCTTGCAGCAACAGA[A>G]CTTCAAGCAGAAAGTGGTAGCGCTGCTGCGGAGGTTCAAAGTGTCCGACGAGGTGAGTGC-3'
Protein context (NP_001094383.2, residues 240-260): VRTTSMTRQQ[Asn250Ser]FKQKVVALLR

ClinVar aggregate classification (germline): Uncertain significance (1 of 4 stars; one submission).

Submission:

Labcorp Genetics (formerly Invitae), Labcorp
Classification: Uncertain significance. Last evaluated: 2023-09-18. Review status: criteria provided, single submitter. Criteria: Invitae Variant Classification Sherloc (09022015). Collection method: clinical testing. Allele origin: germline.
Comment: This sequence change replaces asparagine, which is neutral and polar, with serine, which is neutral and polar, at codon 250 of the PACS2 protein (p.Asn250Ser). In summary, the available evidence is currently insufficient to determine the role of this variant in disease. Therefore, it has been classified as a Variant of Uncertain Significance. An algorithm developed to predict the effect of missense changes on protein structure and function (PolyPhen-2) suggests that this variant is likely to be disruptive. This variant has not been reported in the literature in individuals affected with PACS2-related conditions. This variant is not present in population databases (gnomAD no frequency).